The following is an entry in ClinVar:

ClinVar aggregate classification (germline): Conflicting classifications of pathogenicity. Review status: criteria provided, conflicting classifications (1 of 4 stars). 6 submissions from 6 submitters: Uncertain significance (5); Likely benign (1). Last evaluated 2026-02-16.

Conditions:
PKP2-related disorder. Also called: PKP2-related condition.
Cardiovascular phenotype. Identifiers: MedGen CN230736.
Arrhythmogenic right ventricular cardiomyopathy (ARVD). Also called: Arrhythmogenic Right Ventricular Cardiomyopathy (ARVC); Arrhythmogenic right ventricular dysplasia; Cardiomyopathy, ARVC; Arrhythmogenic cardiomyopathy. Identifiers: Orphanet 247, MedGen C0349788, MeSH D019571, MONDO:0016587. Disease mechanism: loss of function. Inheritance: Various modes of inheritance.
Cardiomyopathy (CMYO). Also called: Cardiomyopathies. Identifiers: Orphanet 167848, MedGen C0878544, MONDO:0004994, HP:0001638. Inheritance: Various modes of inheritance.
Arrhythmogenic right ventricular dysplasia 9 (ARVD9). Also called: Arrhythmogenic Right Ventricular Dysplasia/Cardiomyopathy 9; ARRHYTHMOGENIC RIGHT VENTRICULAR DYSPLASIA, FAMILIAL, 9. Identifiers: MedGen C1836906, MONDO:0012180, OMIM 609040.

Allele frequency attached by ClinVar (database versions not stated): TOPMed 0.00003; gnomAD 0.00004 and 0.00005; gnomAD exomes 0.00004 and 0.00006; ExAC 0.00006.
gnomAD v4.1: 65 of 1,613,768 alleles (0.004%); highest among the groups gnomAD compares: South Asian, 0.024%; 1 homozygote.

Submissions (6):

Ambry Genetics
Classification: Uncertain significance for Cardiovascular phenotype. Last evaluated: 2026-02-16. Review status: criteria provided, single submitter. Criteria: Ambry Variant Classification Scheme 2023. Collection method: clinical testing. Allele origin: germline.
Comment: The p.R871Q variant (also known as c.2612G>A), located in coding exon 14 of the PKP2 gene, results from a G to A substitution at nucleotide position 2612. The arginine at codon 871 is replaced by glutamine, an amino acid with highly similar properties. This variant was detected in a cardiomyopathy/arrhythmia genetic testing cohort; however, clinical details were limited, and additional cardiac variants were detected in some cases (van Lint FHM et al. Neth Heart J, 2019 Jun;27:304-309). This amino acid position is highly conserved in available vertebrate species. In addition, this alteration is predicted to be tolerated by in silico analysis. Based on the available evidence, the clinical significance of this variant remains unclear.

PreventionGenetics, part of Exact Sciences
Classification: Uncertain significance for PKP2-related condition. Last evaluated: 2025-12-22. Review status: criteria provided, single submitter. Criteria: ACMG Guidelines, 2015. Collection method: clinical testing. Allele origin: germline.
Comment: The PKP2 c.2612G>A variant is predicted to result in the amino acid substitution p.Arg871Gln. This variant was reported in an individual with an unknown arrhythmia (Supplementary File 2 in van Lint et al. 2019. PubMed ID: 30847666). This variant is reported in 0.026% of alleles in individuals of South Asian descent in gnomAD, including a homozygous individual. Although we suspect that this variant may be benign, at this time, the clinical significance of this variant is uncertain due to the absence of conclusive functional and genetic evidence.

Labcorp Genetics (formerly Invitae), Labcorp
Classification: Uncertain significance for Arrhythmogenic right ventricular dysplasia 9. Last evaluated: 2025-11-23. Review status: criteria provided, single submitter. Criteria: Invitae Variant Classification Sherloc (09022015). Collection method: clinical testing. Allele origin: germline.
Comment: This sequence change replaces arginine, which is basic and polar, with glutamine, which is neutral and polar, at codon 871 of the PKP2 protein (p.Arg871Gln). This variant is present in population databases (rs372263407, gnomAD 0.03%). This missense change has been observed in individual(s) with clinical features of LMNA-related conditions (PMID: 30847666). ClinVar contains an entry for this variant (Variation ID: 202025). An algorithm developed to predict the effect of missense changes on protein structure and function outputs the following: PolyPhen-2: "Benign". The glutamine amino acid residue is found in multiple mammalian species, which suggests that this missense change does not adversely affect protein function. Algorithms developed to predict the effect of sequence changes on RNA splicing suggest that this variant may disrupt the consensus splice site. In summary, the available evidence is currently insufficient to determine the role of this variant in disease. Therefore, it has been classified as a Variant of Uncertain Significance.

Color Diagnostics, LLC DBA Color Health
Classification: Likely benign for Cardiomyopathy. Last evaluated: 2024-05-06. Review status: criteria provided, single submitter. Criteria: ACMG Guidelines, 2015. Collection method: clinical testing. Allele origin: germline.

All of Us Research Program, National Institutes of Health
Classification: Uncertain significance for Arrhythmogenic right ventricular cardiomyopathy. Last evaluated: 2023-09-04. Review status: criteria provided, single submitter. Criteria: ACMG Guidelines, 2015. Collection method: clinical testing. Allele origin: germline. Inheritance: Autosomal dominant inheritance. Observed: 4 variant alleles, 4 heterozygotes.
Comment: This missense variant replaces arginine with glutamine at codon 871 of the PKP2 protein. Computational prediction suggests that this variant may not impact protein structure and function (internally defined REVEL score threshold <= 0.5, PMID: 27666373). To our knowledge, functional studies have not been reported for this variant. This variant has not been reported in individuals affected with cardiovascular disorders in the literature. This variant has been identified in 16/282840 chromosomes in the general population by the Genome Aggregation Database (gnomAD). The available evidence is insufficient to determine the role of this variant in disease conclusively. Therefore, this variant is classified as a Variant of Uncertain Significance.

This study involves interpretation of variants in research participants for the purpose of population health screening. Participant phenotype was not available at the time of variant classification. Additional details can be found in publication PMID: 35346344, PMCID: PMC8962531

Fulgent Genetics
Classification: Uncertain significance for Arrhythmogenic right ventricular dysplasia 9. Last evaluated: 2021-10-07. Review status: criteria provided, single submitter. Criteria: ACMG Guidelines, 2015. Collection method: clinical testing. Allele origin: unknown.

Literature cited by the submitters: PubMed 30847666 (cited by Ambry Genetics and Labcorp Genetics (formerly Invitae), Labcorp).

NM_001005242.3(PKP2):c.2480G>A (p.Arg827Gln)

Gene: PKP2 (plakophilin 2; minus strand). Cytogenetic location: 12p11.21.
Variant type: single nucleotide variant.
Coding change: c.2480G>A on transcript NM_001005242.3 (MANE Select); coding-DNA position 2480, G replaced by A.
Protein change: p.Arg827Gln; replaces arginine 827 with glutamine.
Molecular consequence: missense variant.
Genome position (GRCh38, 1-based): chr12:32,792,458, C>T on the plus strand (G>A on the coding strand, the complement: PKP2 is on the minus strand). VCF-style: chr12-32792458-C-T. GRCh37 (hg19) VCF-style: chr12-32945392-C-T.
Other names: c.2612G>A, p.Arg871Gln (NM_004572.4); short protein forms R871Q, R827Q.
Identifiers: ClinVar variation 202025 (VCV000202025.15), dbSNP rs372263407, ClinGen allele CA012208.